The following is an entry in ClinVar:

NM_013382.7(POMT2):c.248+1G>C

Gene: POMT2 (protein O-mannosyltransferase 2; minus strand). Cytogenetic location: 14q24.3.
Variant type: single nucleotide variant.
Coding change: c.248+1G>C on transcript NM_013382.7 (MANE Select); the canonical splice donor site of the intron after coding-DNA position 248, G replaced by C.
Molecular consequence: splice donor variant.
Genome position (GRCh38, 1-based): chr14:77,320,433, C>G on the plus strand (G>C on the coding strand, the complement: POMT2 is on the minus strand). VCF-style: chr14-77320433-C-G. GRCh37 (hg19) VCF-style: chr14-77786776-C-G.
Identifiers: ClinVar variation 579369 (VCV000579369.12), dbSNP rs961440747, ClinGen allele CA263794804.

ClinVar aggregate classification (germline): Pathogenic/Likely pathogenic. Review status: criteria provided, multiple submitters, no conflicts (2 of 4 stars). 2 submissions from 2 submitters: Pathogenic (1); Likely pathogenic (1). Last evaluated 2024-03-06.

Conditions:
Muscular dystrophy-dystroglycanopathy (congenital with impaired intellectual development), type B, 2. Also called: Muscular dystrophy-dystroglycanopathy (congenital with intellectual disability), type B2; MUSCULAR DYSTROPHY, CONGENITAL, POMT2-RELATED. Identifiers: MedGen C3150416, MONDO:0013160, OMIM 613156.
Autosomal recessive limb-girdle muscular dystrophy type 2N. Also called: Muscular dystrophy-dystroglycanopathy (limb-girdle), type C, 2; MUSCULAR DYSTROPHY-DYSTROGLYCANOPATHY, LIMB-GIRDLE, POMT2-RELATED. Identifiers: Orphanet 206559, MedGen C3150418, MONDO:0013162, OMIM 613158.
Muscular dystrophy-dystroglycanopathy (congenital with brain and eye anomalies), type A2. Also called: MUSCULAR DYSTROPHY-DYSTROGLYCANOPATHY (CONGENITAL WITH BRAIN AND EYE ANOMALIES), TYPE A, 2; WALKER-WARBURG SYNDROME OR MUSCLE-EYE-BRAIN DISEASE, POMT2-RELATED. Identifiers: Orphanet 588, Orphanet 899, MedGen C3150411, MONDO:0013154, OMIM 613150.

Allele frequency attached by ClinVar (database versions not stated): gnomAD exomes 0.00001.
gnomAD v4.1: 4 of 1,546,660 alleles (0.00026%); highest among the groups gnomAD compares: Admixed American, 0.002%; no homozygotes.

Submissions (2):

Baylor Genetics
Classification: Likely pathogenic for Muscular dystrophy-dystroglycanopathy (congenital with brain and eye anomalies), type A2. Last evaluated: 2024-03-06. Review status: criteria provided, single submitter. Criteria: ACMG Guidelines, 2015. Collection method: clinical testing. Allele origin: unknown.

Labcorp Genetics (formerly Invitae), Labcorp
Classification: Pathogenic for Muscular dystrophy-dystroglycanopathy (congenital with impaired intellectual development), type B, 2; Muscular dystrophy-dystroglycanopathy (congenital with brain and eye anomalies), type A2; Autosomal recessive limb-girdle muscular dystrophy type 2N. Last evaluated: 2023-02-06. Review status: criteria provided, single submitter. Criteria: Invitae Variant Classification Sherloc (09022015). Collection method: clinical testing. Allele origin: germline.
Comment: For these reasons, this variant has been classified as Pathogenic. Algorithms developed to predict the effect of sequence changes on RNA splicing suggest that this variant may disrupt the consensus splice site. ClinVar contains an entry for this variant (Variation ID: 579369). Disruption of this splice site has been observed in individual(s) with congenital muscular dystrophy (Invitae). In at least one individual the data is consistent with being in trans (on the opposite chromosome) from a pathogenic variant. This variant is present in population databases (no rsID available, gnomAD 0.002%). This sequence change affects a donor splice site in intron 1 of the POMT2 gene. It is expected to disrupt RNA splicing. Variants that disrupt the donor or acceptor splice site typically lead to a loss of protein function (PMID: 16199547), and loss-of-function variants in POMT2 are known to be pathogenic (PMID: 15894594).

Literature cited by the submitters: PubMed 16199547 (cited by Labcorp Genetics (formerly Invitae), Labcorp); PubMed 15894594 (cited by Labcorp Genetics (formerly Invitae), Labcorp).